The following is an entry in ClinVar:

NM_152383.5(DIS3L2):c.2587C>T (p.Gln863Ter)

Gene: DIS3L2 (DIS3 like 3'-5' exoribonuclease 2; plus strand). Cytogenetic location: 2q37.1.
Variant type: single nucleotide variant.
Coding change: c.2587C>T on transcript NM_152383.5 (MANE Select); coding-DNA position 2587, C replaced by T.
Protein change: p.Gln863Ter; replaces glutamine 863 with a stop codon.
Molecular consequence: nonsense. On other transcripts: non-coding transcript variant (2), intron variant (1).
Genome position (GRCh38, 1-based): chr2:232,336,559, C>T. VCF-style: chr2-232336559-C-T. GRCh37 (hg19) VCF-style: chr2-233201269-C-T.
Other names: c.1582-6786C>T (NM_001257281.2); short protein forms Q863*.
Identifiers: ClinVar variation 840835 (VCV000840835.9), dbSNP rs758067923, ClinGen allele CA2164620.
Genomic context (GRCh38, chr2:232,336,559, plus strand): 5'-GTCCTGCAGGCAGAGTCCACAGCCCTCAAGTACAGCGCCATCCTGAAGCGGCCAGGCACC[C>T]AGGGCCACCTGGGCCCTGAGAAGGAGGAGGAGGAGTCTGACGGTGAGCCCGAGGACTCAA-3'

ClinVar aggregate classification (germline): Uncertain significance (1 of 4 stars; one submission).

Conditions:
Perlman syndrome (PRLMNS). Identifiers: Orphanet 2849, MedGen C0796113, MONDO:0009965, OMIM 267000.

Allele frequency attached by ClinVar (database versions not stated): gnomAD exomes 0.00001; ExAC 0.00002.
gnomAD v4.1: 11 of 1,609,760 alleles (0.00068%); highest among the groups gnomAD compares: South Asian, 0.0099%; no homozygotes.

Submission:

Labcorp Genetics (formerly Invitae), Labcorp
Classification: Uncertain significance for Perlman syndrome. Last evaluated: 2025-04-28. Review status: criteria provided, single submitter. Criteria: Invitae Variant Classification Sherloc (09022015). Collection method: clinical testing. Allele origin: germline.
Comment: This sequence change creates a premature translational stop signal (p.Gln863*) in the DIS3L2 gene. While this is not anticipated to result in nonsense mediated decay, it is expected to disrupt the last 23 amino acid(s) of the DIS3L2 protein. This variant is present in population databases (rs758067923, gnomAD 0.01%). This variant has not been reported in the literature in individuals affected with DIS3L2-related conditions. ClinVar contains an entry for this variant (Variation ID: 840835). Experimental studies and prediction algorithms are not available or were not evaluated, and the functional significance of this variant is currently unknown. In summary, the available evidence is currently insufficient to determine the role of this variant in disease. Therefore, it has been classified as a Variant of Uncertain Significance.